The following is an entry in ClinVar:

ClinVar aggregate classification (germline): Likely benign (0 of 4 stars; one submission).

Conditions:
PLXNA4-related disorder. Also called: PLXNA4-related condition.

Submission:

PreventionGenetics, part of Exact Sciences
Classification: Likely benign for PLXNA4-related condition. Last evaluated: 2023-06-16. Review status: no assertion criteria provided. Collection method: clinical testing. Allele origin: germline.
Comment: This variant is classified as likely benign based on ACMG/AMP sequence variant interpretation guidelines (Richards et al. 2015 PMID: 25741868, with internal and published modifications).

NM_020911.2(PLXNA4):c.2349C>A (p.Val783=)

Gene: PLXNA4 (plexin A4; minus strand). Cytogenetic location: 7q32.3.
Variant type: single nucleotide variant.
Coding change: c.2349C>A on transcript NM_020911.2 (MANE Select); coding-DNA position 2349, C replaced by A.
Protein change: p.Val783=; no amino-acid change (valine 783 retained).
Molecular consequence: synonymous variant.
Genome position (GRCh38, 1-based): chr7:132,203,369, G>T on the plus strand (C>A on the coding strand, the complement: PLXNA4 is on the minus strand). VCF-style: chr7-132203369-G-T. GRCh37 (hg19) VCF-style: chr7-131888128-G-T.
Other names: c.2349C>A, p.Val783= (NM_001393897.1).
Identifiers: ClinVar variation 3356002 (VCV003356002.1).